The following is an entry in ClinVar:

NM_002474.3(MYH11):c.1017C>T (p.Ser339=)

Gene: MYH11 (myosin heavy chain 11; minus strand). Cytogenetic location: 16p13.11.
Variant type: single nucleotide variant.
Coding change: c.1017C>T on transcript NM_002474.3 (MANE Select); coding-DNA position 1017, C replaced by T.
Protein change: p.Ser339=; no amino-acid change (serine 339 retained).
Molecular consequence: synonymous variant.
Genome position (GRCh38, 1-based): chr16:15,771,585, G>A on the plus strand (C>T on the coding strand, the complement: MYH11 is on the minus strand). VCF-style: chr16-15771585-G-A. GRCh37 (hg19) VCF-style: chr16-15865442-G-A.
Other names: c.1038C>T, p.Ser346= (NM_001040113.2, NM_001040114.2); c.1017C>T, p.Ser339= (NM_022844.3).
Identifiers: ClinVar variation 199079 (VCV000199079.61), dbSNP rs112161189, ClinGen allele CA248077.

ClinVar aggregate classification (germline): Conflicting classifications of pathogenicity. Review status: criteria provided, conflicting classifications (1 of 4 stars). 11 submissions from 11 submitters: Uncertain significance (2); Benign (2); Likely benign (6). 1 of the submissions does not count toward it. Last evaluated 2026-01-20.

Conditions:
MYH11-related disorder. Also called: MYH11-related condition.
Cardiovascular phenotype. Identifiers: MedGen CN230736.
Familial thoracic aortic aneurysm and aortic dissection (TAAD). Also called: Thoracic aortic aneurysms and dissections. Identifiers: Orphanet 91387, MedGen C4707243, MONDO:0019625.
Aortic aneurysm, familial thoracic 4 (AAT4). Also called: AORTIC ANEURYSM/AORTIC DISSECTION AND PATENT DUCTUS ARTERIOSUS. Identifiers: MedGen C1851504, MONDO:0007568, OMIM 132900.

Allele frequency attached by ClinVar (database versions not stated): gnomAD 0.00014; TOPMed 0.00023; ExAC 0.00024; gnomAD exomes 0.00025; ESP Exome Variant Server 0.00038; 1000 Genomes Project 0.00080; 1000 Genomes Project 30x 0.00094.
gnomAD v4.1: 263 of 1,613,696 alleles (0.016%); highest among the groups gnomAD compares: Middle Eastern, 0.12%; no homozygotes.

Submissions (12):

Labcorp Genetics (formerly Invitae), Labcorp
Classification: Benign for Aortic aneurysm, familial thoracic 4. Last evaluated: 2026-01-20. Review status: criteria provided, single submitter. Criteria: Invitae Variant Classification Sherloc (09022015). Collection method: clinical testing. Allele origin: germline.

CeGaT Center for Human Genetics Tuebingen
Classification: Likely benign. Last evaluated: 2025-08-01. Review status: criteria provided, single submitter. Criteria: CeGaT Center For Human Genetics Tuebingen Variant Classification Criteria Version 2. Collection method: clinical testing. Allele origin: germline. Affected: yes. Observed: 9 variant alleles.
Comment: MYH11: BP4, BP7

Blueprint Genetics
Classification: Likely benign. Last evaluated: 2024-11-13. Review status: criteria provided, single submitter. Criteria: ACMG Guidelines, 2015. Collection method: clinical testing. Allele origin: germline.

Women's Health and Genetics/Laboratory Corporation of America, LabCorp
Classification: Benign. Last evaluated: 2024-03-17. Review status: criteria provided, single submitter. Criteria: LabCorp Variant Classification Summary - May 2015. Collection method: clinical testing. Allele origin: germline.

CHEO Genetics Diagnostic Laboratory, Children's Hospital of Eastern Ontario
Classification: Likely benign for Familial thoracic aortic aneurysm and aortic dissection. Last evaluated: 2023-02-10. Review status: criteria provided, single submitter. Criteria: ACMG Guidelines, 2015. Collection method: clinical testing. Allele origin: germline.

GeneDx
Classification: Likely benign. Last evaluated: 2020-11-04. Review status: criteria provided, single submitter. Criteria: GeneDx Variant Classification Process June 2021. Collection method: clinical testing. Allele origin: germline. Affected: yes.

Color Diagnostics, LLC DBA Color Health
Classification: Likely benign for Familial thoracic aortic aneurysm and aortic dissection. Last evaluated: 2018-08-05. Review status: criteria provided, single submitter. Criteria: ACMG Guidelines, 2015. Collection method: clinical testing. Allele origin: germline.

Illumina Laboratory Services, Illumina
Classification: Uncertain significance for Aortic aneurysm, familial thoracic 4. Last evaluated: 2018-01-13. Review status: criteria provided, single submitter. Criteria: ICSL Variant Classification Criteria 13 December 2019. Collection method: clinical testing. Allele origin: germline.

Ambry Genetics
Classification: Likely benign for Cardiovascular phenotype. Last evaluated: 2015-08-10. Review status: criteria provided, single submitter. Criteria: Ambry Autosomal Dominant and X-Linked criteria (10/2015). Collection method: clinical testing. Allele origin: germline. Observed: 1 variant allele.

Eurofins Ntd Llc (ga)
Classification: Uncertain significance. Last evaluated: 2014-09-03. Review status: criteria provided, single submitter. Criteria: EGL Classification Definitions 2015. Collection method: clinical testing. Allele origin: germline. Observed: 1 variant allele, 1 heterozygote.

PreventionGenetics, part of Exact Sciences
Classification: Likely benign for MYH11-related condition. Last evaluated: 2023-03-09. Review status: no assertion criteria provided. Collection method: clinical testing. Allele origin: germline. Not counted in ClinVar's aggregate classification.
Comment: This variant is classified as likely benign based on ACMG/AMP sequence variant interpretation guidelines (Richards et al. 2015 PMID: 25741868, with internal and published modifications).

Dr. Peter K. Rogan Lab, Western University
No classification provided (evidence only). Condition: Colorectal cancer. Review status: no classification provided. Collection method: in vitro. Allele origin: not applicable. Functional consequence: retained intron. Not counted in ClinVar's aggregate classification.